The following is an entry in ClinVar:

ClinVar aggregate classification (germline): Uncertain significance. Review status: criteria provided, multiple submitters, no conflicts (2 of 4 stars). 3 submissions from 3 submitters: Uncertain significance (3). Last evaluated 2025-01-07.

Conditions:
Basal cell carcinoma, susceptibility to, 1. Also called: BCC1. Identifiers: MedGen C2751544, MONDO:0011556, OMIM 605462.
Medulloblastoma (MDB). Also called: MEDULLOBLASTOMA PREDISPOSITION SYNDROME; Medulloblastoma, somatic. Identifiers: Orphanet 616, MedGen C0025149, MeSH D008527, MONDO:0007959, OMIM 155255, HP:0002885.
Gorlin syndrome. Also called: Nevoid Basal Cell Carcinoma Syndrome; Basal cell nevus syndrome. Identifiers: Orphanet 377, MedGen C0004779, MONDO:0007187.

Allele frequency attached by ClinVar (database versions not stated): ExAC 0.00002; gnomAD exomes 0.00002 and 0.00003; TOPMed 0.00002; gnomAD 0.00005; ESP Exome Variant Server 0.00008.
gnomAD v4.1: 48 of 1,613,776 alleles (0.003%); highest among the groups gnomAD compares: East Asian, 0.0045%; no homozygotes.

Submissions (3):

Ambry Genetics
Classification: Uncertain significance. Last evaluated: 2025-01-07. Review status: criteria provided, single submitter. Criteria: Ambry Variant Classification Scheme 2023. Collection method: clinical testing. Allele origin: germline.

Labcorp Genetics (formerly Invitae), Labcorp
Classification: Uncertain significance for Gorlin syndrome. Last evaluated: 2024-08-30. Review status: criteria provided, single submitter. Criteria: Invitae Variant Classification Sherloc (09022015). Collection method: clinical testing. Allele origin: germline.
Comment: This sequence change replaces arginine, which is basic and polar, with cysteine, which is neutral and slightly polar, at codon 804 of the PTCH2 protein (p.Arg804Cys). This variant is present in population databases (rs146570996, gnomAD 0.004%). This variant has not been reported in the literature in individuals affected with PTCH2-related conditions. ClinVar contains an entry for this variant (Variation ID: 844478). Invitae Evidence Modeling of protein sequence and biophysical properties (such as structural, functional, and spatial information, amino acid conservation, physicochemical variation, residue mobility, and thermodynamic stability) indicates that this missense variant is not expected to disrupt PTCH2 protein function with a negative predictive value of 80%. In summary, the available evidence is currently insufficient to determine the role of this variant in disease. Therefore, it has been classified as a Variant of Uncertain Significance.

Fulgent Genetics
Classification: Uncertain significance for Medulloblastoma; Basal cell carcinoma, susceptibility to, 1. Last evaluated: 2024-05-23. Review status: criteria provided, single submitter. Criteria: ACMG Guidelines, 2015. Collection method: clinical testing. Allele origin: germline.

NM_003738.5(PTCH2):c.2410C>T (p.Arg804Cys)

Gene: PTCH2 (patched 2; minus strand). Cytogenetic location: 1p34.1.
Variant type: single nucleotide variant.
Coding change: c.2410C>T on transcript NM_003738.5 (MANE Select); coding-DNA position 2410, C replaced by T.
Protein change: p.Arg804Cys; replaces arginine 804 with cysteine.
Molecular consequence: missense variant.
Genome position (GRCh38, 1-based): chr1:44,827,271, G>A on the plus strand (C>T on the coding strand, the complement: PTCH2 is on the minus strand). VCF-style: chr1-44827271-G-A. GRCh37 (hg19) VCF-style: chr1-45292943-G-A.
Other names: c.2410C>T, p.Arg804Cys (NM_001166292.2); short protein forms R804C.
Identifiers: ClinVar variation 844478 (VCV000844478.11), dbSNP rs146570996, ClinGen allele CA823017.